The following is an entry in ClinVar:

ClinVar aggregate classification (germline): Uncertain significance. Review status: criteria provided, multiple submitters, no conflicts (2 of 4 stars). 2 submissions from 2 submitters: Uncertain significance (2). Last evaluated 2026-04-11.

Conditions:
Inborn genetic diseases. Identifiers: MedGen C0950123, MeSH D030342.

Allele frequency attached by ClinVar (database versions not stated): TOPMed 0.00001; ExAC 0.00001.

Submissions (2):

Ambry Genetics
Classification: Uncertain significance for Inborn genetic diseases. Last evaluated: 2026-04-11. Review status: criteria provided, single submitter. Criteria: Ambry Variant Classification Scheme 2023. Collection method: clinical testing. Allele origin: germline.

GeneDx
Classification: Uncertain significance. Last evaluated: 2024-10-31. Review status: criteria provided, single submitter. Criteria: GeneDx Variant Classification Process June 2021. Collection method: clinical testing. Allele origin: germline.
Comment: Not observed at significant frequency in large population cohorts (gnomAD); In silico analysis indicates that this missense variant does not alter protein structure/function; Has not been previously published as pathogenic or benign to our knowledge

NM_032229.3(SLITRK6):c.2126A>G (p.Lys709Arg)

Gene: SLITRK6 (SLIT and NTRK like family member 6; minus strand). Cytogenetic location: 13q31.1.
Variant type: single nucleotide variant.
Coding change: c.2126A>G on transcript NM_032229.3 (MANE Select); coding-DNA position 2126, A replaced by G.
Protein change: p.Lys709Arg; replaces lysine 709 with arginine.
Molecular consequence: missense variant.
Genome position (GRCh38, 1-based): chr13:85,794,383, T>C on the plus strand (A>G on the coding strand, the complement: SLITRK6 is on the minus strand). VCF-style: chr13-85794383-T-C. GRCh37 (hg19) VCF-style: chr13-86368518-T-C.
Other names: short protein forms K709R.
Identifiers: ClinVar variation 1706253 (VCV001706253.4), dbSNP rs748931937, ClinGen allele CA7014957.